The following is an entry in ClinVar:

ClinVar aggregate classification (germline): Uncertain significance. Review status: criteria provided, multiple submitters, no conflicts (2 of 4 stars). 4 submissions from 4 submitters: Uncertain significance (3). 1 of the submissions does not count toward it. Last evaluated 2023-04-18.

Conditions:
Glycogen storage disease type III (GSD3). Also called: FORBES DISEASE; Cori disease. Identifiers: Orphanet 366, MedGen C0017922, MONDO:0009291, OMIM 232400.
Inborn genetic diseases. Identifiers: MedGen C0950123, MeSH D030342.

Allele frequency attached by ClinVar (database versions not stated): gnomAD exomes below 0.00001; TOPMed below 0.00001; gnomAD 0.00001.
gnomAD v4.1: 6 of 1,612,724 alleles (0.00037%); highest among the groups gnomAD compares: South Asian, 0.0011%; no homozygotes.

Submissions (4):

Ambry Genetics
Classification: Uncertain significance for Inborn genetic diseases. Last evaluated: 2023-04-18. Review status: criteria provided, single submitter. Criteria: Ambry Variant Classification Scheme 2023. Collection method: clinical testing. Allele origin: germline.

Genome-Nilou Lab
Classification: Uncertain significance for Glycogen storage disease type III. Last evaluated: 2023-04-11. Review status: criteria provided, single submitter. Criteria: ACMG Guidelines, 2015. Collection method: clinical testing. Allele origin: germline. Affected: no.

Labcorp Genetics (formerly Invitae), Labcorp
Classification: Uncertain significance for Glycogen storage disease type III. Last evaluated: 2021-09-02. Review status: criteria provided, single submitter. Criteria: Invitae Variant Classification Sherloc (09022015). Collection method: clinical testing. Allele origin: germline.
Comment: This sequence change replaces glycine with valine at codon 1273 of the AGL protein (p.Gly1273Val). The glycine residue is highly conserved and there is a moderate physicochemical difference between glycine and valine. This variant is not present in population databases (ExAC no frequency). This variant has not been reported in the literature in individuals affected with AGL-related conditions. Algorithms developed to predict the effect of missense changes on protein structure and function (SIFT, PolyPhen-2, Align-GVGD) all suggest that this variant is likely to be disruptive. In summary, the available evidence is currently insufficient to determine the role of this variant in disease. Therefore, it has been classified as a Variant of Uncertain Significance.

Natera, Inc.
Classification: Uncertain significance for Glycogen storage disease type III. Last evaluated: 2021-09-28. Review status: no assertion criteria provided. Collection method: clinical testing. Allele origin: germline. Not counted in ClinVar's aggregate classification.

NM_000642.3(AGL):c.3818G>T (p.Gly1273Val)

Gene: AGL (amylo-alpha-1,6-glucosidase and 4-alpha-glucanotransferase; plus strand). Cytogenetic location: 1p21.2.
Variant type: single nucleotide variant.
Coding change: c.3818G>T on transcript NM_000642.3 (MANE Select); coding-DNA position 3818, G replaced by T.
Protein change: p.Gly1273Val; replaces glycine 1273 with valine.
Molecular consequence: missense variant.
Genome position (GRCh38, 1-based): chr1:99,910,829, G>T. VCF-style: chr1-99910829-G-T. GRCh37 (hg19) VCF-style: chr1-100376385-G-T.
Other names: c.3818G>T, p.Gly1273Val (NM_000028.3, NM_000643.3, NM_000644.3 and 1 more transcripts); c.3614G>T, p.Gly1205Val (NM_001425328.1); c.3479G>T, p.Gly1160Val (NM_001425329.1); c.3440G>T, p.Gly1147Val (NM_001425332.1); c.3770G>T, p.Gly1257Val (NM_000646.3); c.3797G>T, p.Gly1266Val (NM_001425326.1); c.3617G>T, p.Gly1206Val (NM_001425327.1); c.3818G>T (NM_000642.2); short protein forms G1257V, G1273V, G1147V, G1160V, G1205V, G1206V, G1266V.
Identifiers: ClinVar variation 1055299 (VCV001055299.10), dbSNP rs765807203, ClinGen allele CA27553576.
Genomic context (GRCh38, chr1:99,910,829, plus strand): 5'-GTTTCAATTGTGGCACATGGATGGATAAAATGGGAGAAAGTGACAGAGCTAGAAACAGAG[G>T]AATCCCAGCCACACCAAGGTAGTGTAAATGTTATAATGCTGTGTAATTATACCCTTCTTT-3'
Protein context (NP_000633.2, residues 1263-1283): MGESDRARNR[Gly1273Val]IPATPRDGSA